The following is an entry in ClinVar:

ClinVar aggregate classification (germline): Uncertain significance. Review status: criteria provided, multiple submitters, no conflicts (2 of 4 stars). 3 submissions from 3 submitters: Uncertain significance (3). Last evaluated 2024-12-05.

Conditions:
Cardiovascular phenotype. Identifiers: MedGen CN230736.
Progressive familial heart block type IB (PFHB1B). Identifiers: Orphanet 871, MedGen C1970298, MONDO:0011474, OMIM 604559.

Allele frequency attached by ClinVar (database versions not stated): gnomAD exomes below 0.00001; TOPMed 0.00001; gnomAD 0.00002.
gnomAD v4.1: 5 of 1,613,576 alleles (0.00031%); highest among the groups gnomAD compares: Middle Eastern, 0.016%; no homozygotes.

Submissions (3):

GeneDx
Classification: Uncertain significance. Last evaluated: 2024-12-05. Review status: criteria provided, single submitter. Criteria: GeneDx Variant Classification Process June 2021. Collection method: clinical testing. Allele origin: germline. Affected: yes.
Comment: Has not been previously published as pathogenic or benign to our knowledge; Not observed at significant frequency in large population cohorts (gnomAD); In silico analysis indicates that this missense variant does not alter protein structure/function

Labcorp Genetics (formerly Invitae), Labcorp
Classification: Uncertain significance for Progressive familial heart block type IB. Last evaluated: 2023-12-20. Review status: criteria provided, single submitter. Criteria: Invitae Variant Classification Sherloc (09022015). Collection method: clinical testing. Allele origin: germline.
Comment: This sequence change replaces histidine, which is basic and polar, with tyrosine, which is neutral and polar, at codon 1002 of the TRPM4 protein (p.His1002Tyr). This variant is not present in population databases (gnomAD no frequency). This variant has not been reported in the literature in individuals affected with TRPM4-related conditions. ClinVar contains an entry for this variant (Variation ID: 1798729). An algorithm developed to predict the effect of missense changes on protein structure and function (PolyPhen-2) suggests that this variant is likely to be tolerated. In summary, the available evidence is currently insufficient to determine the role of this variant in disease. Therefore, it has been classified as a Variant of Uncertain Significance.

Ambry Genetics
Classification: Uncertain significance for Cardiovascular phenotype. Last evaluated: 2021-01-25. Review status: criteria provided, single submitter. Criteria: Ambry Variant Classification Scheme 2023. Collection method: clinical testing. Allele origin: germline.
Comment: The p.H1002Y variant (also known as c.3004C>T), located in coding exon 20 of the TRPM4 gene, results from a C to T substitution at nucleotide position 3004. The histidine at codon 1002 is replaced by tyrosine, an amino acid with similar properties. This amino acid position is poorly conserved in available vertebrate species. In addition, this alteration is predicted to be tolerated by in silico analysis. Since supporting evidence is limited at this time, the clinical significance of this alteration remains unclear.

NM_017636.4(TRPM4):c.3004C>T (p.His1002Tyr)

Gene: TRPM4 (transient receptor potential cation channel subfamily M member 4; plus strand). Cytogenetic location: 19q13.33.
Variant type: single nucleotide variant.
Coding change: c.3004C>T on transcript NM_017636.4 (MANE Select); coding-DNA position 3004, C replaced by T.
Protein change: p.His1002Tyr; replaces histidine 1002 with tyrosine.
Molecular consequence: missense variant.
Genome position (GRCh38, 1-based): chr19:49,202,014, C>T. VCF-style: chr19-49202014-C-T. GRCh37 (hg19) VCF-style: chr19-49705271-C-T.
Other names: c.2569C>T, p.His857Tyr (NM_001195227.2); c.2659C>T, p.His887Tyr (NM_001321281.2); c.1396C>T, p.His466Tyr (NM_001321282.2); c.2482C>T, p.His828Tyr (NM_001321283.2); c.1942C>T, p.His648Tyr (NM_001321285.2); short protein forms H857Y, H466Y, H828Y, H887Y, H1002Y, H648Y.
Identifiers: ClinVar variation 1798729 (VCV001798729.10), dbSNP rs985641822, ClinGen allele CA309459290.